The following is an entry in ClinVar:

NM_002661.5(PLCG2):c.1152C>T (p.Asp384=)

Gene: PLCG2 (phospholipase C gamma 2; plus strand). Cytogenetic location: 16q23.3.
Variant type: single nucleotide variant.
Coding change: c.1152C>T on transcript NM_002661.5 (MANE Select); coding-DNA position 1152, C replaced by T.
Protein change: p.Asp384=; no amino-acid change (aspartic acid 384 retained).
Molecular consequence: synonymous variant.
Genome position (GRCh38, 1-based): chr16:81,895,886, C>T. VCF-style: chr16-81895886-C-T. GRCh37 (hg19) VCF-style: chr16-81929491-C-T.
Other names: p.Asp384=.
Identifiers: ClinVar variation 540113 (VCV000540113.16), dbSNP rs13333713, ClinGen allele CA8193616.

ClinVar aggregate classification (germline): Benign/Likely benign. Review status: criteria provided, multiple submitters, no conflicts (2 of 4 stars). 6 submissions from 6 submitters: Benign (4); Likely benign (2). Last evaluated 2026-07-01.

Conditions:
Familial cold autoinflammatory syndrome 3 (FCAS3). Also called: FAMILIAL ATYPICAL COLD URTICARIA; ANTIBODY DEFICIENCY AND IMMUNE DYSREGULATION, PLCG2-ASSOCIATED. Identifiers: Orphanet 300359, MedGen C3280914, MONDO:0013766, OMIM 614468.

Allele frequency attached by ClinVar (database versions not stated): gnomAD exomes 0.00021 and 0.00052; ExAC 0.00065; 1000 Genomes Project 30x 0.00172; gnomAD 0.00205 and 0.00222; ESP Exome Variant Server 0.00213; 1000 Genomes Project 0.00220; TOPMed 0.00248.

Submissions (6):

CeGaT Center for Human Genetics Tuebingen
Classification: Likely benign. Last evaluated: 2026-07-01. Review status: criteria provided, single submitter. Criteria: CeGaT Center For Human Genetics Tuebingen Variant Classification Criteria Version 2. Collection method: clinical testing. Allele origin: germline. Affected: yes. Observed: 1 variant allele.
Comment: PLCG2: BP4, BP7, BS1

Women's Health and Genetics/Laboratory Corporation of America, LabCorp
Classification: Benign. Last evaluated: 2026-01-23. Review status: criteria provided, single submitter. Criteria: LabCorp Variant Classification Summary - May 2015. Collection method: clinical testing. Allele origin: germline.

Labcorp Genetics (formerly Invitae), Labcorp
Classification: Benign for Familial cold autoinflammatory syndrome 3. Last evaluated: 2026-01-08. Review status: criteria provided, single submitter. Criteria: Invitae Variant Classification Sherloc (09022015). Collection method: clinical testing. Allele origin: germline.

Blueprint Genetics
Classification: Likely benign. Last evaluated: 2024-08-20. Review status: criteria provided, single submitter. Criteria: ACMG Guidelines, 2015. Collection method: clinical testing. Allele origin: germline.

Mayo Clinic Laboratories, Mayo Clinic
Classification: Benign. Last evaluated: 2024-01-16. Review status: criteria provided, single submitter. Criteria: ACMG Guidelines, 2015. Collection method: clinical testing. Allele origin: germline. Observed: 5 variant alleles.
Comment: BS1, BS2, BP4, BP7

Breakthrough Genomics
Classification: Benign. Review status: criteria provided, single submitter. Criteria: ACMG Guidelines, 2015. Collection method: not provided. Allele origin: germline. Inheritance: Autosomal dominant inheritance. Affected: yes.